The following is an entry in ClinVar:

NM_001164508.2(NEB):c.22091G>A (p.Gly7364Asp)

Genes: NEB (nebulin; minus strand), RIF1 (replication timing regulatory factor 1; plus strand). Cytogenetic location: 2q23.3.
Variant type: single nucleotide variant.
Coding change: c.22091G>A on transcript NM_001164508.2 (MANE Select); coding-DNA position 22091, G replaced by A.
Protein change: p.Gly7364Asp; replaces glycine 7364 with aspartic acid.
Molecular consequence: missense variant.
Genome position (GRCh38, 1-based): chr2:151,526,028, C>T on the plus strand (G>A on the coding strand, the complement: NEB is on the minus strand). VCF-style: chr2-151526028-C-T. GRCh37 (hg19) VCF-style: chr2-152382542-C-T.
Other names: c.22091G>A, p.Gly7364Asp (NM_001164507.2); c.22196G>A, p.Gly7399Asp (NM_001271208.2); c.16988G>A, p.Gly5663Asp (NM_004543.5); short protein forms G5663D, G7399D, G7364D.
Identifiers: ClinVar variation 836697 (VCV000836697.7), dbSNP rs376684415, ClinGen allele CA1906777.
Genomic context (GRCh38, chr2:151,526,028, plus strand): 5'-TGCTTGGTCACTTCCTTGACGTGAACAGTGTCCCGGGTCTCTGGTAGTGTTGTGTATGAG[C>T]CCTGTGCCAAGTGCTTCTTGACATGGTCCTTGTACTTGTTCTGGGGGAATCCATAGAGAG-3'
Protein context (NP_001157980.2, residues 7354-7374): KDHVKKHLAQ[Gly7364Asp]SYTTLPETRD

ClinVar aggregate classification (germline): Uncertain significance. Review status: criteria provided, single submitter (1 of 4 stars). 2 submissions from 2 submitters: Uncertain significance (1). 1 of the submissions does not count toward it. Last evaluated 2022-07-12.

Conditions:
Nemaline myopathy 2 (NEM2). Also called: Nemaline myopathy 2, autosomal recessive. Identifiers: MedGen C1850569, MONDO:0009725, OMIM 256030.

Allele frequency attached by ClinVar (database versions not stated): gnomAD exomes below 0.00001; ExAC 0.00001; gnomAD 0.00001; TOPMed 0.00001; ESP Exome Variant Server 0.00008.
gnomAD v4.1: 2 of 1,613,854 alleles (0.00012%); highest among the groups gnomAD compares: Non-Finnish European, 0.00017%; no homozygotes.

Submissions (2):

Labcorp Genetics (formerly Invitae), Labcorp
Classification: Uncertain significance for Nemaline myopathy 2. Last evaluated: 2022-07-12. Review status: criteria provided, single submitter. Criteria: Invitae Variant Classification Sherloc (09022015). Collection method: clinical testing. Allele origin: germline.
Comment: This sequence change replaces glycine, which is neutral and non-polar, with aspartic acid, which is acidic and polar, at codon 7399 of the NEB protein (p.Gly7399Asp). This variant is present in population databases (rs376684415, gnomAD 0.002%). This variant has not been reported in the literature in individuals affected with NEB-related conditions. ClinVar contains an entry for this variant (Variation ID: 836697). Algorithms developed to predict the effect of missense changes on protein structure and function are either unavailable or do not agree on the potential impact of this missense change (SIFT: "Deleterious"; PolyPhen-2: "Not Available"; Align-GVGD: "Class C0"). In summary, the available evidence is currently insufficient to determine the role of this variant in disease. Therefore, it has been classified as a Variant of Uncertain Significance.

Natera, Inc.
Classification: Uncertain significance for Nemaline myopathy type 2. Last evaluated: 2021-02-18. Review status: no assertion criteria provided. Collection method: clinical testing. Allele origin: germline. Not counted in ClinVar's aggregate classification.